The following is an entry in ClinVar:

NM_177438.3(DICER1):c.5512A>T (p.Met1838Leu)

Gene: DICER1 (dicer 1, ribonuclease III; minus strand). Cytogenetic location: 14q32.13.
Variant type: single nucleotide variant.
Coding change: c.5512A>T on transcript NM_177438.3 (MANE Select); coding-DNA position 5512, A replaced by T.
Protein change: p.Met1838Leu; replaces methionine 1838 with leucine.
Molecular consequence: missense variant. On other transcripts: non-coding transcript variant (6), intron variant (1).
Genome position (GRCh38, 1-based): chr14:95,091,218, T>A on the plus strand (A>T on the coding strand, the complement: DICER1 is on the minus strand). VCF-style: chr14-95091218-T-A. GRCh37 (hg19) VCF-style: chr14-95557555-T-A.
Other names: c.5512A>T, p.Met1838Leu (NM_001271282.3, NM_001291628.2, NM_001395677.1 and 7 more transcripts); c.5230A>T, p.Met1744Leu (NM_001395686.1); c.5107A>T, p.Met1703Leu (NM_001395687.1, NM_001395688.1, NM_001395689.1 and 1 more transcripts); c.4945A>T, p.Met1649Leu (NM_001395691.1); c.3829A>T, p.Met1277Leu (NM_001395697.1); c.5365-109A>T (NM_001195573.1); short protein forms M1703L, M1744L, M1277L, M1649L, M1838L.
Identifiers: ClinVar variation 3840024 (VCV003840024.1).

ClinVar aggregate classification (germline): Uncertain significance (1 of 4 stars; one submission).

Conditions:
Hereditary cancer-predisposing syndrome. Also called: Hereditary neoplastic syndrome; Neoplastic Syndromes, Hereditary; Tumor predisposition; Hereditary Cancer Syndrome. Identifiers: Orphanet 140162, MedGen C0027672, MeSH D009386, MONDO:0015356.

Submission:

Ambry Genetics
Classification: Uncertain significance for Hereditary cancer-predisposing syndrome. Last evaluated: 2025-02-02. Review status: criteria provided, single submitter. Criteria: Ambry Variant Classification Scheme 2023. Collection method: clinical testing. Allele origin: germline.
Comment: The p.M1838L variant (also known as c.5512A>T), located in coding exon 24 of the DICER1 gene, results from an A to T substitution at nucleotide position 5512. The methionine at codon 1838 is replaced by leucine, an amino acid with highly similar properties. This amino acid position is conserved. In addition, the in silico prediction for this alteration is inconclusive. Based on the available evidence, the clinical significance of this variant remains unclear.